The following is an entry in ClinVar:

NM_004526.4(MCM2):c.1235T>G (p.Ile412Arg)

Gene: MCM2 (minichromosome maintenance complex component 2; plus strand). Cytogenetic location: 3q21.3.
Variant type: single nucleotide variant.
Coding change: c.1235T>G on transcript NM_004526.4 (MANE Select); coding-DNA position 1235, T replaced by G.
Protein change: p.Ile412Arg; replaces isoleucine 412 with arginine.
Molecular consequence: missense variant. On other transcripts: non-coding transcript variant (1).
Genome position (GRCh38, 1-based): chr3:127,608,515, T>G. VCF-style: chr3-127608515-T-G. GRCh37 (hg19) VCF-style: chr3-127327358-T-G.
Other names: short protein forms I412R.
Identifiers: ClinVar variation 3683718 (VCV003683718.2).

ClinVar aggregate classification (germline): Uncertain significance (1 of 4 stars; one submission).

Submission:

Labcorp Genetics (formerly Invitae), Labcorp
Classification: Uncertain significance. Last evaluated: 2024-04-09. Review status: criteria provided, single submitter. Criteria: Invitae Variant Classification Sherloc (09022015). Collection method: clinical testing. Allele origin: germline.
Comment: This sequence change replaces isoleucine, which is neutral and non-polar, with arginine, which is basic and polar, at codon 412 of the MCM2 protein (p.Ile412Arg). This variant is not present in population databases (gnomAD no frequency). This variant has not been reported in the literature in individuals affected with MCM2-related conditions. An algorithm developed to predict the effect of missense changes on protein structure and function (PolyPhen-2) suggests that this variant is likely to be tolerated. In summary, the available evidence is currently insufficient to determine the role of this variant in disease. Therefore, it has been classified as a Variant of Uncertain Significance.